The following is an entry in ClinVar:

NM_017837.4(PIGV):c.891C>A (p.Phe297Leu)

Gene: PIGV (phosphatidylinositol glycan anchor biosynthesis class V; plus strand). Cytogenetic location: 1p36.11.
Variant type: single nucleotide variant.
Coding change: c.891C>A on transcript NM_017837.4 (MANE Select); coding-DNA position 891, C replaced by A.
Protein change: p.Phe297Leu; replaces phenylalanine 297 with leucine.
Molecular consequence: missense variant. On other transcripts: non-coding transcript variant (1), intron variant (1).
Genome position (GRCh38, 1-based): chr1:26,794,925, C>A. VCF-style: chr1-26794925-C-A. GRCh37 (hg19) VCF-style: chr1-27121416-C-A.
Other names: c.891C>A, p.Phe297Leu (NM_001202554.2, NM_001374478.1, NM_001374480.1 and 2 more transcripts); c.510C>A, p.Phe170Leu (NM_001374483.1); c.264C>A, p.Phe88Leu (NM_001374484.1, NM_001374485.1); c.79-2638C>A (NM_001374486.1); short protein forms F297L, F170L, F88L.
Identifiers: ClinVar variation 373179 (VCV000373179.1), dbSNP rs1057518270, ClinGen allele CA16042362.

ClinVar aggregate classification (germline): Uncertain significance (1 of 4 stars; one submission).

Submission:

GeneDx
Classification: Uncertain significance. Last evaluated: 2016-11-10. Review status: criteria provided, single submitter. Criteria: GeneDx Variant Classification (06012015). Collection method: clinical testing. Allele origin: germline. Affected: yes.
Comment: A variant of uncertain significance has been identified in the PIGV gene. The F297L variant has not been published as a pathogenic variant, nor has it been reported as a benign variant to our knowledge. It was not observed in approximately 6,500 individuals of European and African American ancestry in the NHLBI Exome Sequencing Project, indicating it is not a common benign variant in these populations. The F297L variant is a conservative amino acid substitution, which is not likely to impact secondary protein structure as these residues share similar properties. Additionally, this substitution occurs at a position that is not conserved. However, a missense variant in a nearby residue (L302P) has been reported in the Human Gene Mutation Database in association with hyperphosphatasia mental retardation syndrome (Stenson et al., 2014). In silico analysis is inconsistent in its predictions as to whether or not the variant is damaging to the protein structure/function. Therefore, based on the currently available information, it is unclear whether this variant is a pathogenic variant or a rare benign variant.